The following is an entry in ClinVar:

NR_003051.4(RMRP):n.92A>C

Gene: RMRP (RNA component of mitochondrial RNA processing endoribonuclease; minus strand). Cytogenetic location: 9p13.3.
Variant type: single nucleotide variant.
Genome position: GRCh38 VCF-style: chr9-35657928-T-G. GRCh37 (hg19) VCF-style: chr9-35657925-T-G.
Identifiers: ClinVar variation 968288 (VCV000968288.5), dbSNP rs752723025, ClinGen allele CA5045852.

ClinVar aggregate classification (germline): Uncertain significance. Review status: criteria provided, multiple submitters, no conflicts (2 of 4 stars). 3 submissions from 3 submitters: Uncertain significance (2). 1 of the submissions does not count toward it. Last evaluated 2025-07-22.

Conditions:
Anauxetic dysplasia. Identifiers: Orphanet 93347, MedGen C1846796, MONDO:0011773.
Metaphyseal chondrodysplasia, McKusick type (CHH). Also called: Cartilage-hair hypoplasia; Cartilage-Hair Hypoplasia (CHH). Identifiers: Orphanet 175, MedGen C0220748, MONDO:0009595, OMIM 250250.

Allele frequency attached by ClinVar (database versions not stated): TOPMed 0.00006; gnomAD exomes 0.00017; ExAC 0.00028.
gnomAD v4.1: 95 of 700,344 alleles (0.014%); highest among the groups gnomAD compares: Middle Eastern, 0.072%; no homozygotes.

Submissions (3):

Women's Health and Genetics/Laboratory Corporation of America, LabCorp
Classification: Uncertain significance. Last evaluated: 2025-07-22. Review status: criteria provided, single submitter. Criteria: LabCorp Variant Classification Summary - May 2015. Collection method: clinical testing. Allele origin: germline.
Comment: Variant summary: RMRP n.91A>C (also known as NC_000009.11: chr9:g.35657925T>G) alters a nucleotide in the non-coding RNA. The variant allele was found at a frequency of 0.00017 in 130492 control chromosomes. This frequency is not significantly higher than estimated for a pathogenic variant in RMRP causing Cartilage-Hair Hypoplasia (0.00017 vs 0.0072), allowing no conclusion about variant significance. To our knowledge, no occurrence of n.91A>C in individuals affected with Cartilage-Hair Hypoplasia and no experimental evidence demonstrating its impact on protein function have been reported. ClinVar contains an entry for this variant (Variation ID: 968288). Based on the evidence outlined above, the variant was classified as uncertain significance.

Labcorp Genetics (formerly Invitae), Labcorp
Classification: Uncertain significance for Anauxetic dysplasia. Last evaluated: 2022-10-30. Review status: criteria provided, single submitter. Criteria: Invitae Variant Classification Sherloc (09022015). Collection method: clinical testing. Allele origin: germline.
Comment: This variant occurs in the RMRP gene, which encodes an RNA molecule that does not result in a protein product. This variant is present in population databases (rs752723025, gnomAD 0.2%). This variant has not been reported in the literature in individuals affected with RMRP-related conditions. ClinVar contains an entry for this variant (Variation ID: 968288). Experimental studies and prediction algorithms are not available or were not evaluated, and the functional significance of this variant is currently unknown. In summary, the available evidence is currently insufficient to determine the role of this variant in disease. Therefore, it has been classified as a Variant of Uncertain Significance.

Natera, Inc.
Classification: Uncertain significance for Cartilage-hair hypoplasia. Last evaluated: 2020-01-24. Review status: no assertion criteria provided. Collection method: clinical testing. Allele origin: germline. Not counted in ClinVar's aggregate classification.